The following is an entry in ClinVar:

ClinVar aggregate classification (germline): Uncertain significance (1 of 4 stars; one submission).

Conditions:
Arginase deficiency. Also called: Arginase 1 Deficiency; ARGININEMIA; ARG1 DEFICIENCY. Identifiers: Orphanet 90, MedGen C0268548, MONDO:0008814, OMIM 207800.

Allele frequency attached by ClinVar (database versions not stated): gnomAD exomes below 0.00001; gnomAD 0.00002; TOPMed 0.00003.
gnomAD v4.1: 7 of 1,613,690 alleles (0.00043%); highest among the groups gnomAD compares: African/African-American, 0.0067%; no homozygotes.

Submission:

Labcorp Genetics (formerly Invitae), Labcorp
Classification: Uncertain significance for Arginase deficiency. Last evaluated: 2025-07-07. Review status: criteria provided, single submitter. Criteria: Invitae Variant Classification Sherloc (09022015). Collection method: clinical testing. Allele origin: germline.
Comment: This sequence change replaces aspartic acid, which is acidic and polar, with tyrosine, which is neutral and polar, at codon 181 of the ARG1 protein (p.Asp181Tyr). This variant is present in population databases (no rsID available, gnomAD 0.01%). This variant has not been reported in the literature in individuals affected with ARG1-related conditions. ClinVar contains an entry for this variant (Variation ID: 1004955). Invitae Evidence Modeling of protein sequence and biophysical properties (such as structural, functional, and spatial information, amino acid conservation, physicochemical variation, residue mobility, and thermodynamic stability) indicates that this missense variant is expected to disrupt ARG1 protein function with a positive predictive value of 80%. In summary, the available evidence is currently insufficient to determine the role of this variant in disease. Therefore, it has been classified as a Variant of Uncertain Significance.

NM_000045.4(ARG1):c.541G>T (p.Asp181Tyr)

Genes: ARG1 (arginase 1; plus strand), MED23 (mediator complex subunit 23; minus strand). Cytogenetic location: 6q23.2.
Variant type: single nucleotide variant.
Coding change: c.541G>T on transcript NM_000045.4 (MANE Select); coding-DNA position 541, G replaced by T.
Protein change: p.Asp181Tyr; replaces aspartic acid 181 with tyrosine.
Molecular consequence: missense variant. On other transcripts: non-coding transcript variant (1), intron variant (3).
Genome position (GRCh38, 1-based): chr6:131,582,696, G>T. VCF-style: chr6-131582696-G-T. GRCh37 (hg19) VCF-style: chr6-131903836-G-T.
Other names: c.565G>T, p.Asp189Tyr (NM_001244438.2); c.306-364G>T (NM_001369020.1); c.4077+5013C>A (NM_001270521.2); c.4095+5013C>A (NM_015979.4); short protein forms D181Y, D189Y.
Identifiers: ClinVar variation 1004955 (VCV001004955.6), dbSNP rs1472741630, ClinGen allele CA365651464.
Genomic context (GRCh38, chr6:131,582,696, plus strand): 5'-GGATTCTCCTGGGTGACTCCCTGTATATCTGCCAAGGATATTGTGTATATTGGCTTGAGA[G>T]ACGTGGACCCTGGGGAACAGTAAGCTTATTCCTTGATGTGATTTGCCTCCATTTTTGTCC-3'
Protein context (NP_000036.2, residues 171-191): AKDIVYIGLR[Asp181Tyr]VDPGEHYILK